The following is an entry in ClinVar:

NM_014363.6(SACS):c.2551G>T (p.Val851Phe)

Gene: SACS (sacsin molecular chaperone; minus strand). Cytogenetic location: 13q12.12.
Variant type: single nucleotide variant.
Coding change: c.2551G>T on transcript NM_014363.6 (MANE Select); coding-DNA position 2551, G replaced by T.
Protein change: p.Val851Phe; replaces valine 851 with phenylalanine.
Molecular consequence: missense variant.
Genome position (GRCh38, 1-based): chr13:23,341,325, C>A on the plus strand (G>T on the coding strand, the complement: SACS is on the minus strand). VCF-style: chr13-23341325-C-A. GRCh37 (hg19) VCF-style: chr13-23915464-C-A.
Other names: p.Val851Phe; c.2551G>T (NM_014363.4); c.2110G>T, p.Val704Phe (NM_001278055.2); short protein forms V851F, V704F.
Identifiers: ClinVar variation 458259 (VCV000458259.12), dbSNP rs756890722, ClinGen allele CA6911670.

ClinVar aggregate classification (germline): Conflicting classifications of pathogenicity. Review status: criteria provided, conflicting classifications (1 of 4 stars). 6 submissions from 6 submitters: Uncertain significance (4); Likely benign (1). 1 of the submissions does not count toward it. Last evaluated 2025-10-15.

Conditions:
Spastic paraplegia. Identifiers: MedGen C0037772, HP:0001258.
Hereditary spastic paraplegia. Also called: Familial spastic paraparesis. Identifiers: Orphanet 685, MedGen C0037773, MONDO:0019064. Disease mechanism: loss of function.
Charlevoix-Saguenay spastic ataxia (SACS). Also called: SPASTIC ATAXIA 6, AUTOSOMAL RECESSIVE; AUTOSOMAL RECESSIVE SPASTIC ATAXIA OF CHARLEVOIX-SAGUENAY; Spastic ataxia of Charlevoix-Saguenay. Identifiers: Orphanet 98, MedGen C1849140, MONDO:0010041, OMIM 270550.

Allele frequency attached by ClinVar (database versions not stated): ExAC 0.00001; gnomAD exomes 0.00001; TOPMed 0.00004; gnomAD 0.00005 and 0.00006.

Submissions (6):

Labcorp Genetics (formerly Invitae), Labcorp
Classification: Likely benign for Spastic paraplegia. Last evaluated: 2025-10-15. Review status: criteria provided, single submitter. Criteria: Invitae Variant Classification Sherloc (09022015). Collection method: clinical testing. Allele origin: germline.

Mayo Clinic Laboratories, Mayo Clinic
Classification: Uncertain significance. Last evaluated: 2025-03-07. Review status: criteria provided, single submitter. Criteria: ACMG Guidelines, 2015. Collection method: clinical testing. Allele origin: germline. Observed: 1 variant allele.
Comment: PP3, PM2_supporting

Athena Diagnostics
Classification: Uncertain significance. Last evaluated: 2024-09-27. Review status: criteria provided, single submitter. Criteria: Athena Diagnostics Criteria. Collection method: clinical testing. Allele origin: unknown.
Comment: Available data are insufficient to determine the clinical significance of the variant at this time. The frequency of this variant in the general population is uninformative in assessment of its pathogenicity. Polyphen and MutationTaster yielded discordant predictions regarding whether this amino acid change is damaging to the protein.

Blueprint Genetics
Classification: Uncertain significance. Last evaluated: 2024-06-28. Review status: criteria provided, single submitter. Criteria: ACMG Guidelines, 2015. Collection method: clinical testing. Allele origin: germline.

Genome Diagnostics Laboratory, The Hospital for Sick Children
Classification: Uncertain significance for Hereditary spastic paraplegia. Last evaluated: 2018-05-01. Review status: criteria provided, single submitter. Criteria: ACMG Guidelines, 2015. Collection method: clinical testing. Allele origin: germline. Affected: yes.

Natera, Inc.
Classification: Uncertain significance for Charlevoix-Saguenay type spastic ataxia. Last evaluated: 2020-10-09. Review status: no assertion criteria provided. Collection method: clinical testing. Allele origin: germline. Not counted in ClinVar's aggregate classification.